The following is an entry in ClinVar:

NM_000091.5(COL4A3):c.1576G>A (p.Gly526Ser)

Genes: COL4A3 (collagen type IV alpha 3 chain; plus strand), MFF-DT (MFF divergent transcript; minus strand). Cytogenetic location: 2q36.3.
Variant type: single nucleotide variant.
Coding change: c.1576G>A on transcript NM_000091.5 (MANE Select); coding-DNA position 1576, G replaced by A.
Protein change: p.Gly526Ser; replaces glycine 526 with serine.
Molecular consequence: missense variant.
Genome position (GRCh38, 1-based): chr2:227,270,770, G>A. VCF-style: chr2-227270770-G-A. GRCh37 (hg19) VCF-style: chr2-228135486-G-A.
Other names: short protein forms G526S.
Identifiers: ClinVar variation 4754154 (VCV004754154.3).
Genomic context (GRCh38, chr2:227,270,770, plus strand): 5'-GATTGACAGAAGAAGAATTCTAACAAAATACAATACAGATTCATTTGTGTACTACCCTAG[G>A]GTTTCCCAGGTGCCCAGGGTGACCCAGGACTTAAAGGAGAAAAAGGTGAAACACTTCAGC-3'
Protein context (NP_000082.2, residues 516-536): PGNTGLPGFP[Gly526Ser]FPGAQGDPGL

ClinVar aggregate classification (germline): Likely pathogenic. Review status: criteria provided, multiple submitters, no conflicts (2 of 4 stars). 3 submissions from 3 submitters: Likely pathogenic (3). Last evaluated 2026-08-19.

Conditions:
Alport syndrome. Also called: Hemorrhagic familial nephritis; Hemorrhagic hereditary nephritis; Congenital hereditary hematuria. Identifiers: Orphanet 63, MedGen C1567741, MONDO:0018965.

Submissions (3):

Myriad Genetics, Inc.
Classification: Likely pathogenic for Alport syndrome. Last evaluated: 2026-08-19. Review status: criteria provided, single submitter. Criteria: Myriad Autosomal Dominant, Autosomal Recessive and X-Linked Classification Criteria (2023). Collection method: clinical testing. Allele origin: unknown.
Comment: NM_000091.4(COL4A3):c.1576G>A(G526S) is a missense variant classified as likely pathogenic in the context of Alport syndrome, COL4A3-related. G526S has been observed in a case with relevant disease (PMID: 37798099). Relevant functional assessments of this variant are not available in the literature. Internal structural analysis of the variant is supportive of pathogenicity. G526S has not been observed in referenced population frequency databases. In summary, NM_000091.4(COL4A3):c.1576G>A(G526S) is a missense variant that has internal structural support for pathogenicity and has been observed more frequently in cases with the relevant disease than in healthy populations. Please note: this variant was assessed in the context of healthy population screening.

Labcorp Genetics (formerly Invitae), Labcorp
Classification: Likely pathogenic. Last evaluated: 2026-01-13. Review status: criteria provided, single submitter. Criteria: Invitae Variant Classification Sherloc (09022015). Collection method: clinical testing. Allele origin: germline.
Comment: This sequence change replaces glycine, which is neutral and non-polar, with serine, which is neutral and polar, at codon 526 of the COL4A3 protein (p.Gly526Ser). This variant is not present in population databases (gnomAD no frequency). This missense change has been observed in individuals with clinical features of Alport syndrome (PMID: 37798099; external communication). An algorithm developed to predict the effect of missense changes on protein structure and function (PolyPhen-2) suggests that this variant is likely to be disruptive. Algorithms developed to predict the effect of sequence changes on RNA splicing suggest that this variant may disrupt the consensus splice site. This variant disrupts the p.Gly256 amino acid residue in COL4A3. Other variant(s) that disrupt this residue have been observed in individuals with COL4A3-related conditions (PMID: 35369551, 37798099), which suggests that this may be a clinically significant amino acid residue. In summary, the currently available evidence indicates that the variant is pathogenic, but additional data are needed to prove that conclusively. Therefore, this variant has been classified as Likely Pathogenic.

Natera, Inc.
Classification: Likely pathogenic for Alport syndrome. Last evaluated: 2025-08-20. Review status: criteria provided, single submitter. Criteria: Natera Variant Classification Schema (03/2026). Collection method: clinical testing. Allele origin: germline.
Comment: The c.1576G>A variant in COL4A3 is a missense variant predicted to cause substitution of glycine to serine at amino acid 526. This variant is rare in the general population with a frequency below the threshold expected for the associated phenotype(s). This variant is located in a functionally critical region of the protein. Computational prediction algorithms indicate this variant is likely to affect gene or protein function. Given the available evidence, this variant is classified as Likely Pathogenic.

Literature cited by the submitters: PubMed 37798099 (cited by Myriad Genetics, Inc. and Labcorp Genetics (formerly Invitae), Labcorp); PubMed 35369551 (cited by Labcorp Genetics (formerly Invitae), Labcorp).